The following is an entry in ClinVar:

NC_000009.11:g.(?_134398299)_(134398493_?)del

Gene: POMT1 (protein O-mannosyltransferase 1; plus strand). Cytogenetic location: 9q34.13.
Variant type: Deletion.
Identifiers: ClinVar variation 3245238 (VCV003245238.1).

ClinVar aggregate classification (germline): Pathogenic (1 of 4 stars; one submission).

Conditions:
Walker-Warburg congenital muscular dystrophy. Also called: Muscular dystrophy-dystroglycanopathy, type A; Walker-Warburg syndrome. Identifiers: Orphanet 899, MedGen C0265221, MONDO:0000171.
Muscular dystrophy-dystroglycanopathy (congenital with impaired intellectual development), type B, 1. Also called: Muscular dystrophy-dystroglycanopathy (congenital with intellectual disability), type B1; MUSCULAR DYSTROPHY, CONGENITAL, POMT1-RELATED. Identifiers: MedGen C5436962, MONDO:0013159, OMIM 613155.
Autosomal recessive limb-girdle muscular dystrophy type 2K. Also called: MUSCULAR DYSTROPHY-DYSTROGLYCANOPATHY (LIMB-GIRDLE), TYPE C, 1; MUSCULAR DYSTROPHY, LIMB-GIRDLE, TYPE 2K. Identifiers: Orphanet 86812, MedGen C1836373, MONDO:0012248, OMIM 609308.

Submission:

Labcorp Genetics (formerly Invitae), Labcorp
Classification: Pathogenic for Muscular dystrophy-dystroglycanopathy (congenital with impaired intellectual development), type B, 1; Walker-Warburg congenital muscular dystrophy; Autosomal recessive limb-girdle muscular dystrophy type 2K. Last evaluated: 2023-12-18. Review status: criteria provided, single submitter. Criteria: Invitae Variant Classification Sherloc (09022015). Collection method: clinical testing. Allele origin: unknown.
Comment: This variant is a gross deletion of the genomic region encompassing exon(s) 20 of the POMT1 gene, which includes the termination codon. This deletion extends beyond the assayed region for this gene and therefore may encompass additional genes. While this deletion is not anticipated to lead to nonsense mediated decay, it is expected to alter mRNA translation or result in a truncated protein product. This variant has not been reported in the literature in individuals affected with POMT1-related conditions. This variant disrupts a region of the POMT1 protein in which other variant(s) (p.Trp736*) have been determined to be pathogenic (PMID: 22499106; 27193224)). This suggests that this is a clinically significant region of the protein, and that variants that disrupt it are likely to be disease-causing. For these reasons, this variant has been classified as Pathogenic.

Literature cited by the submitters: PubMed 22499106.